The following is an entry in ClinVar:

NM_144997.7(FLCN):c.779+9C>T

Gene: FLCN (folliculin; minus strand). Cytogenetic location: 17p11.2.
Variant type: single nucleotide variant.
Coding change: c.779+9C>T on transcript NM_144997.7 (MANE Select); 9 bases into the intron after coding-DNA position 779, C replaced by T.
Molecular consequence: intron variant.
Genome position (GRCh38, 1-based): chr17:17,222,492, G>A on the plus strand (C>T on the coding strand, the complement: FLCN is on the minus strand). VCF-style: chr17-17222492-G-A. GRCh37 (hg19) VCF-style: chr17-17125806-G-A.
Other names: c.779+9C>T (LRG_325t1, NM_001353231.2, NM_001353230.2 and 1 more transcripts); c.833+9C>T (NM_001353229.2).
Identifiers: ClinVar variation 415611 (VCV000415611.22), dbSNP rs373504780, ClinGen allele CA8416318.

ClinVar aggregate classification (germline): Benign/Likely benign. Review status: criteria provided, multiple submitters, no conflicts (2 of 4 stars). 6 submissions from 6 submitters: Benign (4); Likely benign (1). 1 of the submissions does not count toward it. Last evaluated 2026-01-31.

Conditions:
FLCN-related disorder. Also called: FLCN-related condition.
Familial spontaneous pneumothorax (PSP). Identifiers: Orphanet 2903, MedGen C1868193, MONDO:0008259, OMIM 173600.
Colorectal cancer. Also called: Malignant Colorectal Neoplasm; Colorectal cancer, somatic. Identifiers: MedGen C0346629, MONDO:0005575, OMIM 114500.
Birt-Hogg-Dube syndrome. Also called: Birt Hogg Dubé syndrome. Identifiers: Orphanet 122, MedGen C0346010, MONDO:0800444.
Nonpapillary renal cell carcinoma. Identifiers: Orphanet 422526, MedGen CN074294, MONDO:0007763, OMIM 144700.
17p11.2 microduplication syndrome (PTLS). Also called: CHROMOSOME 17p11.2 DUPLICATION SYNDROME; Potocki-Lupski syndrome; Duplication 17p11.2 syndrome; Potocki-Lupski syndrome (dup(17)(p11.2p11.2)). Identifiers: Orphanet 1713, MedGen C2931246, MONDO:0012574, OMIM 610883.

Allele frequency attached by ClinVar (database versions not stated): gnomAD exomes 0.00006 and 0.00023; ESP Exome Variant Server 0.00008; gnomAD 0.00008 and 0.00009; TOPMed 0.00012; ExAC 0.00021.
gnomAD v4.1: 98 of 1,614,046 alleles (0.0061%); highest among the groups gnomAD compares: Admixed American, 0.1%; no homozygotes.

Submissions (6):

Labcorp Genetics (formerly Invitae), Labcorp
Classification: Benign for Birt-Hogg-Dube syndrome. Last evaluated: 2026-01-31. Review status: criteria provided, single submitter. Criteria: Invitae Variant Classification Sherloc (09022015). Collection method: clinical testing. Allele origin: germline.

Myriad Genetics, Inc.
Classification: Benign for Birt-Hogg-Dube syndrome 1. Last evaluated: 2023-07-06. Review status: criteria provided, single submitter. Criteria: Myriad Autosomal Dominant, Autosomal Recessive and X-Linked Classification Criteria (2023). Collection method: clinical testing. Allele origin: unknown.
Comment: This variant is considered benign. This variant is intronic and is not expected to impact mRNA splicing. Homozygosity has been confirmed in one or more individuals. As homozygosity for pathogenic variants in this gene is generally assumed to result in embryonic lethality, this variant is unlikely to be pathogenic.

Women's Health and Genetics/Laboratory Corporation of America, LabCorp
Classification: Benign. Last evaluated: 2023-01-29. Review status: criteria provided, single submitter. Criteria: LabCorp Variant Classification Summary - May 2015. Collection method: clinical testing. Allele origin: germline.

Fulgent Genetics
Classification: Likely benign for Colorectal cancer; Birt-Hogg-Dube syndrome 1; Nonpapillary renal cell carcinoma; Familial spontaneous pneumothorax; 17p11.2 microduplication syndrome. Last evaluated: 2022-01-25. Review status: criteria provided, single submitter. Criteria: ACMG Guidelines, 2015. Collection method: clinical testing. Allele origin: unknown.

Quest Diagnostics Nichols Institute San Juan Capistrano
Classification: Benign. Last evaluated: 2021-07-06. Review status: criteria provided, single submitter. Criteria: Quest Diagnostics criteria. Collection method: clinical testing. Allele origin: unknown.

PreventionGenetics, part of Exact Sciences
Classification: Likely benign for FLCN-related condition. Last evaluated: 2019-12-27. Review status: no assertion criteria provided. Collection method: clinical testing. Allele origin: germline. Not counted in ClinVar's aggregate classification.
Comment: This variant is classified as likely benign based on ACMG/AMP sequence variant interpretation guidelines (Richards et al. 2015 PMID: 25741868, with internal and published modifications).